The following is an entry in ClinVar:

ClinVar aggregate classification (germline): association (0 of 4 stars; one submission).

Conditions:
Familial hypercholesterolemia. Also called: Familial hypercholesterolaemia. Identifiers: MedGen C0020445, MONDO:0005439.

Allele frequency attached by ClinVar (database versions not stated): 1000 Genomes Project 0.10184; 1000 Genomes Project 30x 0.10322.

Submission:

Clinical Genomics, Uppaluri K&H Personalized Medicine Clinic
Classification: association for Familial hypercholesterolemia. Last evaluated: 2022-03-03. Review status: no assertion criteria provided. Collection method: research. Allele origin: somatic. Inheritance: Autosomal dominant inheritance. Affected: yes. Observed: 1 homozygote.
Comment: Associated with elevated LDL cholesterol levels and early onset coronary artery disease, especially in men.

NC_000001.11:g.55030366T>C

Gene: PCSK9 (proprotein convertase subtilisin/kexin type 9; plus strand). Cytogenetic location: 1p32.3.
Variant type: single nucleotide variant.
Genome position: GRCh38 VCF-style: chr1-55030366-T-C. GRCh37 (hg19) VCF-style: chr1-55496039-T-C.
Identifiers: ClinVar variation 1344496 (VCV001344496.2), dbSNP rs11206510, ClinGen allele CA10770925.